The following is an entry in ClinVar:

ClinVar aggregate classification (germline): Likely pathogenic. Review status: criteria provided, multiple submitters, no conflicts (2 of 4 stars). 2 submissions from 2 submitters: Likely pathogenic (2). Last evaluated 2018-04-03.

Conditions:
Leukodystrophy, hypomyelinating, 6. Also called: LEUKODYSTROPHY, HYPOMYELINATING, WITH ATROPHY OF THE BASAL GANGLIA AND CEREBELLUM; TUBB4A-Associated Leukodystrophy; Hypomyelination with Atrophy of Basal Ganglia and Cerebellum (H-ABC). Identifiers: Orphanet 139441, MedGen C2676244, MONDO:0012905, OMIM 612438.

Submissions (2):

Illumina Laboratory Services, Illumina
Classification: Likely pathogenic for Leukodystrophy, hypomyelinating, 6. Last evaluated: 2018-04-03. Review status: criteria provided, single submitter. Criteria: ICSLVariantClassificationCriteria RUGD 01 April 2020. Collection method: clinical testing. Allele origin: unknown.
Comment: The TUBB4A c.796T>A (p.Phe266Ile) variant has not been reported in the literature. The variant is not reported in the Genome Aggregation Database and is therefore presumed to be rare given this variant lies in an area of good coverage. Though the p.Phe266Ile variant has not been previously reported, several missense variants in the vicinity of this position has been reported before (Lohmann et al. 2012; Farwell et al. 2015; Erro et al. 2015). The variant was detected in a de novo state. Based on the available evidence, the c.796T>A (p.Phe266Ile) variant is classified as likely pathogenic for TUBB4A-related leukodystrophies.

Bruce Lefroy Centre, Murdoch Childrens Research Institute
Classification: Likely pathogenic for Leukodystrophy, hypomyelinating, 6. Review status: criteria provided, single submitter. Criteria: ACMG Guidelines, 2015. Collection method: research. Allele origin: de novo. Inheritance: Autosomal dominant inheritance. Affected: yes. Observed: 1 variant allele.

NM_006087.4(TUBB4A):c.796T>A (p.Phe266Ile)

Gene: TUBB4A (tubulin beta 4A class IVa; minus strand). Cytogenetic location: 19p13.3.
Variant type: single nucleotide variant.
Coding change: c.796T>A on transcript NM_006087.4 (MANE Select); coding-DNA position 796, T replaced by A.
Protein change: p.Phe266Ile; replaces phenylalanine 266 with isoleucine.
Molecular consequence: missense variant.
Genome position (GRCh38, 1-based): chr19:6,495,703, A>T on the plus strand (T>A on the coding strand, the complement: TUBB4A is on the minus strand). VCF-style: chr19-6495703-A-T. GRCh37 (hg19) VCF-style: chr19-6495714-A-T.
Other names: c.949T>A, p.Phe317Ile (NM_001289123.2); c.931T>A, p.Phe311Ile (NM_001289127.2); c.796T>A, p.Phe266Ile (NM_001289129.2); c.580T>A, p.Phe194Ile (NM_001289130.2, NM_001289131.2); short protein forms F194I, F266I, F311I, F317I.
Identifiers: ClinVar variation 1256060 (VCV001256060.2), dbSNP rs2145244590, ClinGen allele CA403590994.